The following is an entry in ClinVar:

ClinVar aggregate classification (germline): Uncertain significance. Review status: criteria provided, multiple submitters, no conflicts (2 of 4 stars). 2 submissions from 2 submitters: Uncertain significance (2). Last evaluated 2022-11-01.

Conditions:
Inborn genetic diseases. Identifiers: MedGen C0950123, MeSH D030342.

Submissions (2):

Labcorp Genetics (formerly Invitae), Labcorp
Classification: Uncertain significance. Last evaluated: 2022-11-01. Review status: criteria provided, single submitter. Criteria: Invitae Variant Classification Sherloc (09022015). Collection method: clinical testing. Allele origin: germline.
Comment: This variant has not been reported in the literature in individuals affected with SLC25A1-related conditions. ClinVar contains an entry for this variant (Variation ID: 522133). Variants that disrupt the consensus splice site are a relatively common cause of aberrant splicing (PMID: 17576681, 9536098). Algorithms developed to predict the effect of sequence changes on RNA splicing suggest that this variant may disrupt the consensus splice site. In summary, the available evidence is currently insufficient to determine the role of this variant in disease. Therefore, it has been classified as a Variant of Uncertain Significance. This sequence change affects codon 147 of the SLC25A1 mRNA. It is a 'silent' change, meaning that it does not change the encoded amino acid sequence of the SLC25A1 protein. This variant also falls at the last nucleotide of exon 4, which is part of the consensus splice site for this exon. This variant is not present in population databases (gnomAD no frequency).

Ambry Genetics
Classification: Uncertain significance for Inborn genetic diseases. Last evaluated: 2017-10-27. Review status: criteria provided, single submitter. Criteria: Ambry exome assertion method (8-5-2015). Collection method: clinical testing. Allele origin: germline. Affected: yes. Observed: 1 variant allele.

Literature cited by the submitters: PubMed 17576681 (cited by Labcorp Genetics (formerly Invitae), Labcorp); PubMed 9536098 (cited by Labcorp Genetics (formerly Invitae), Labcorp).

NM_005984.5(SLC25A1):c.441G>A (p.Lys147=)

Gene: SLC25A1 (solute carrier family 25 member 1; minus strand). Cytogenetic location: 22q11.21.
Variant type: single nucleotide variant.
Coding change: c.441G>A on transcript NM_005984.5 (MANE Select); coding-DNA position 441, G replaced by A.
Protein change: p.Lys147=; no amino-acid change (lysine 147 retained).
Molecular consequence: synonymous variant.
Genome position (GRCh38, 1-based): chr22:19,177,727, C>T on the plus strand (G>A on the coding strand, the complement: SLC25A1 is on the minus strand). VCF-style: chr22-19177727-C-T. GRCh37 (hg19) VCF-style: chr22-19165240-C-T.
Other names: c.462G>A, p.Lys154= (NM_001256534.2); c.132G>A, p.Lys44= (NM_001287387.2).
Identifiers: ClinVar variation 522133 (VCV000522133.9), dbSNP rs1555922904, ClinGen allele CA513188026.